The following is an entry in ClinVar:

NM_001162501.2(TNRC6B):c.2649T>C (p.Ile883=)

Gene: TNRC6B (trinucleotide repeat containing adaptor 6B; plus strand). Cytogenetic location: 22q13.1.
Variant type: single nucleotide variant.
Coding change: c.2649T>C on transcript NM_001162501.2 (MANE Select); coding-DNA position 2649, T replaced by C.
Protein change: p.Ile883=; no amino-acid change (isoleucine 883 retained).
Molecular consequence: synonymous variant. On other transcripts: intron variant (1).
Genome position (GRCh38, 1-based): chr22:40,266,879, T>C. VCF-style: chr22-40266879-T-C. GRCh37 (hg19) VCF-style: chr22-40662883-T-C.
Other names: c.2649T>C, p.Ile883= (NM_015088.3); c.566-3243T>C (NM_001024843.2).
Identifiers: ClinVar variation 2498910 (VCV002498910.28), dbSNP rs375875810, ClinGen allele CA10246866.

ClinVar aggregate classification (germline): Likely benign (1 of 4 stars; one submission).

Allele frequency attached by ClinVar (database versions not stated): gnomAD 0.00012; TOPMed 0.00012; ExAC 0.00013; 1000 Genomes Project 30x 0.00016; gnomAD exomes 0.00017; 1000 Genomes Project 0.00020; ESP Exome Variant Server 0.00024.
gnomAD v4.1: 261 of 1,613,954 alleles (0.016%); highest among the groups gnomAD compares: Middle Eastern, 0.066%; no homozygotes.

Submission:

CeGaT Center for Human Genetics Tuebingen
Classification: Likely benign. Last evaluated: 2023-01-01. Review status: criteria provided, single submitter. Criteria: CeGaT Center For Human Genetics Tuebingen Variant Classification Criteria Version 2. Collection method: clinical testing. Allele origin: germline. Affected: yes. Observed: 5 variant alleles.
Comment: TNRC6B: BP4, BP7